The following is an entry in ClinVar:

ClinVar aggregate classification (germline): Uncertain significance (1 of 4 stars; one submission).

Conditions:
Severe early-onset pulmonary alveolar proteinosis due to MARS deficiency. Also called: Interstitial lung and liver disease; PULMONARY ALVEOLAR PROTEINOSIS, REUNION ISLAND. Identifiers: Orphanet 440427, MedGen C4225400, MONDO:0014206, OMIM 615486.
Charcot-Marie-Tooth disease axonal type 2U. Also called: CHARCOT-MARIE-TOOTH NEUROPATHY, TYPE 2U; CHARCOT-MARIE-TOOTH DISEASE, AXONAL, AUTOSOMAL DOMINANT, TYPE 2U. Identifiers: Orphanet 397735, MedGen C4084821, MONDO:0014566, OMIM 616280.

Submission:

Labcorp Genetics (formerly Invitae), Labcorp
Classification: Uncertain significance for Charcot-Marie-Tooth disease axonal type 2U; Severe early-onset pulmonary alveolar proteinosis due to MARS deficiency. Last evaluated: 2023-01-26. Review status: criteria provided, single submitter. Criteria: Invitae Variant Classification Sherloc (09022015). Collection method: clinical testing. Allele origin: germline.
Comment: This variant is not present in population databases (gnomAD no frequency). This sequence change replaces lysine, which is basic and polar, with asparagine, which is neutral and polar, at codon 838 of the MARS protein (p.Lys838Asn). This variant has not been reported in the literature in individuals affected with MARS-related conditions. In summary, the available evidence is currently insufficient to determine the role of this variant in disease. Therefore, it has been classified as a Variant of Uncertain Significance. Algorithms developed to predict the effect of missense changes on protein structure and function (SIFT, PolyPhen-2, Align-GVGD) all suggest that this variant is likely to be tolerated.

NM_004990.4(MARS1):c.2514G>C (p.Lys838Asn)

Gene: MARS1 (methionyl-tRNA synthetase 1; plus strand). Cytogenetic location: 12q13.3.
Variant type: single nucleotide variant.
Coding change: c.2514G>C on transcript NM_004990.4 (MANE Select); coding-DNA position 2514, G replaced by C.
Protein change: p.Lys838Asn; replaces lysine 838 with asparagine.
Molecular consequence: missense variant.
Genome position (GRCh38, 1-based): chr12:57,516,295, G>C. VCF-style: chr12-57516295-G-C. GRCh37 (hg19) VCF-style: chr12-57910078-G-C.
Other names: short protein forms K838N.
Identifiers: ClinVar variation 2130951 (VCV002130951.4), dbSNP rs1390874158, ClinGen allele CA385468168.